The following is an entry in ClinVar:

ClinVar aggregate classification (germline): Uncertain significance. Review status: criteria provided, multiple submitters, no conflicts (2 of 4 stars). 3 submissions from 3 submitters: Uncertain significance (3). Last evaluated 2026-03-12.

Conditions:
Cardiovascular phenotype. Identifiers: MedGen CN230736.
Catecholaminergic polymorphic ventricular tachycardia 1. Also called: VENTRICULAR TACHYCARDIA, STRESS-INDUCED POLYMORPHIC 1; VENTRICULAR TACHYCARDIA, CATECHOLAMINERGIC POLYMORPHIC, 1, WITH OR WITHOUT ATRIAL DYSFUNCTION AND/OR DILATED CARDIOMYOPATHY; RYR2-Related Catecholaminergic Polymorphic Ventricular Tachycardia. Identifiers: Orphanet 3286, MedGen C1631597, MONDO:0011484, OMIM 604772.
Cardiomyopathy (CMYO). Also called: Cardiomyopathies. Identifiers: Orphanet 167848, MedGen C0878544, MONDO:0004994, HP:0001638. Inheritance: Various modes of inheritance.

Submissions (3):

Ambry Genetics
Classification: Uncertain significance for Cardiovascular phenotype. Last evaluated: 2026-03-12. Review status: criteria provided, single submitter. Criteria: Ambry Variant Classification Scheme 2023. Collection method: clinical testing. Allele origin: germline.
Comment: The p.T302I variant (also known as c.905C>T), located in coding exon 12 of the RYR2 gene, results from a C to T substitution at nucleotide position 905. The threonine at codon 302 is replaced by isoleucine, an amino acid with similar properties. This amino acid position is conserved. In addition, this alteration is predicted to be deleterious by in silico analysis. Based on the available evidence, the clinical significance of this variant remains unclear.

Labcorp Genetics (formerly Invitae), Labcorp
Classification: Uncertain significance for Catecholaminergic polymorphic ventricular tachycardia 1. Last evaluated: 2024-04-30. Review status: criteria provided, single submitter. Criteria: Invitae Variant Classification Sherloc (09022015). Collection method: clinical testing. Allele origin: germline.
Comment: This sequence change replaces threonine, which is neutral and polar, with isoleucine, which is neutral and non-polar, at codon 302 of the RYR2 protein (p.Thr302Ile). This variant is not present in population databases (gnomAD no frequency). This variant has not been reported in the literature in individuals affected with RYR2-related conditions. ClinVar contains an entry for this variant (Variation ID: 920729). Advanced modeling of protein sequence and biophysical properties (such as structural, functional, and spatial information, amino acid conservation, physicochemical variation, residue mobility, and thermodynamic stability) performed at Invitae indicates that this missense variant is expected to disrupt RYR2 protein function with a positive predictive value of 95%. In summary, the available evidence is currently insufficient to determine the role of this variant in disease. Therefore, it has been classified as a Variant of Uncertain Significance.

Color Diagnostics, LLC DBA Color Health
Classification: Uncertain significance for Cardiomyopathy. Last evaluated: 2023-12-05. Review status: criteria provided, single submitter. Criteria: ACMG Guidelines, 2015. Collection method: clinical testing. Allele origin: germline.
Comment: Variant of Uncertain Significance due to insufficient evidence: This missense variant is located in the cytoplasmic MIR motif 4 (a.a. 286-343) of the MIR domain of the RYR2 protein. Computational prediction tools and conservation analyses suggest that this variant may have deleterious impact on the protein function. Computational splicing tools suggest that this variant may not impact RNA splicing. To our knowledge, functional assays have not been performed for this variant nor has this variant been reported in individuals affected with cardiovascular disorders in the literature. This variant is rare in the general population and has been identified in 0/277264 chromosomes by the Genome Aggregation Database (gnomAD). Available evidence is insufficient to determine the role of this variant in disease conclusively.

NM_001035.3(RYR2):c.905C>T (p.Thr302Ile)

Gene: RYR2 (ryanodine receptor 2; plus strand). Cytogenetic location: 1q43.
Variant type: single nucleotide variant.
Coding change: c.905C>T on transcript NM_001035.3 (MANE Select); coding-DNA position 905, C replaced by T.
Protein change: p.Thr302Ile; replaces threonine 302 with isoleucine.
Molecular consequence: missense variant.
Genome position (GRCh38, 1-based): chr1:237,423,148, C>T. VCF-style: chr1-237423148-C-T. GRCh37 (hg19) VCF-style: chr1-237586448-C-T.
Other names: c.905C>T (NM_001035.2); short protein forms T302I.
Identifiers: ClinVar variation 920729 (VCV000920729.8), dbSNP rs1705765771, ClinGen allele CA345385300.